The following is an entry in ClinVar:

NM_007215.4(POLG2):c.624T>C (p.Leu208=)

Genes: MILR1 (mast cell immunoglobulin like receptor 1; plus strand), POLG2 (DNA polymerase gamma 2, accessory subunit; minus strand). Cytogenetic location: 17q23.3.
Variant type: single nucleotide variant.
Coding change: c.624T>C on transcript NM_007215.4 (MANE Select); coding-DNA position 624, T replaced by C.
Protein change: p.Leu208=; no amino-acid change (leucine 208 retained).
Molecular consequence: synonymous variant.
Genome position (GRCh38, 1-based): chr17:64,492,960, A>G on the plus strand (T>C on the coding strand, the complement: POLG2 is on the minus strand). VCF-style: chr17-64492960-A-G. GRCh37 (hg19) VCF-style: chr17-62489077-A-G.
Identifiers: ClinVar variation 389191 (VCV000389191.11), dbSNP rs141293925, ClinGen allele CA8712965.

ClinVar aggregate classification (germline): Likely benign. Review status: criteria provided, multiple submitters, no conflicts (2 of 4 stars). 3 submissions from 3 submitters: Likely benign (2). 1 of the submissions does not count toward it. Last evaluated 2026-01-04.

Conditions:
POLG2-related disorder. Also called: POLG2-related condition; POLG2-related disorders.

Allele frequency attached by ClinVar (database versions not stated): ESP Exome Variant Server 0.00008; gnomAD 0.00009; 1000 Genomes Project 30x 0.00016; 1000 Genomes Project 0.00020; gnomAD exomes 0.00001 and 0.00002; ExAC 0.00002; TOPMed 0.00006.
gnomAD v4.1: 39 of 1,614,012 alleles (0.0024%); highest among the groups gnomAD compares: African/African-American, 0.039%; no homozygotes.

Submissions (3):

Labcorp Genetics (formerly Invitae), Labcorp
Classification: Likely benign. Last evaluated: 2026-01-04. Review status: criteria provided, single submitter. Criteria: Invitae Variant Classification Sherloc (09022015). Collection method: clinical testing. Allele origin: germline.

GeneDx
Classification: Likely benign. Last evaluated: 2016-09-07. Review status: criteria provided, single submitter. Criteria: GeneDx Variant Classification (06012015). Collection method: clinical testing. Allele origin: germline. Affected: yes.
Comment: This variant is considered likely benign or benign based on one or more of the following criteria: it is a conservative change, it occurs at a poorly conserved position in the protein, it is predicted to be benign by multiple in silico algorithms, and/or has population frequency not consistent with disease.

PreventionGenetics, part of Exact Sciences
Classification: Likely benign for POLG2-related condition. Last evaluated: 2021-01-11. Review status: no assertion criteria provided. Collection method: clinical testing. Allele origin: germline. Not counted in ClinVar's aggregate classification.
Comment: This variant is classified as likely benign based on ACMG/AMP sequence variant interpretation guidelines (Richards et al. 2015 PMID: 25741868, with internal and published modifications).